The following is an entry in ClinVar:

ClinVar aggregate classification (germline): Uncertain significance. Review status: criteria provided, multiple submitters, no conflicts (2 of 4 stars). 4 submissions from 4 submitters: Uncertain significance (4). Last evaluated 2025-11-08.

Conditions:
Inborn genetic diseases. Identifiers: MedGen C0950123, MeSH D030342.
SCN11A-related disorder. Also called: SCN11A-related condition.
Hereditary sensory and autonomic neuropathy type 7. Also called: HSAN VII; Neuropathy, hereditary sensory and autonomic, type VII. Identifiers: Orphanet 391397, MedGen C3809882, MONDO:0014244, OMIM 615548.
Familial episodic pain syndrome with predominantly lower limb involvement. Also called: Episodic pain syndrome, familial, 3. Identifiers: Orphanet 391384, Orphanet 391392, MedGen C3809899, MONDO:0014247, OMIM 615552.

Allele frequency attached by ClinVar (database versions not stated): gnomAD exomes below 0.00001; ExAC 0.00001.
gnomAD v4.1: 6 of 1,614,144 alleles (0.00037%); highest among the groups gnomAD compares: Non-Finnish European, 0.00051%; no homozygotes.

Submissions (4):

Ambry Genetics
Classification: Uncertain significance for Inborn genetic diseases. Last evaluated: 2025-11-08. Review status: criteria provided, single submitter. Criteria: Ambry Variant Classification Scheme 2023. Collection method: clinical testing. Allele origin: germline.

CeGaT Center for Human Genetics Tuebingen
Classification: Uncertain significance. Last evaluated: 2025-10-01. Review status: criteria provided, single submitter. Criteria: CeGaT Center For Human Genetics Tuebingen Variant Classification Criteria Version 2. Collection method: clinical testing. Allele origin: germline. Affected: yes. Observed: 1 variant allele.

PreventionGenetics, part of Exact Sciences
Classification: Uncertain significance for SCN11A-related condition. Last evaluated: 2025-06-04. Review status: criteria provided, single submitter. Criteria: ACMG Guidelines, 2015. Collection method: clinical testing. Allele origin: germline.
Comment: The SCN11A c.1211A>G variant is predicted to result in the amino acid substitution p.Glu404Gly. To our knowledge, this variant has not been reported in the literature. This variant is reported in 0.00088% of alleles in individuals of European (Non-Finnish) descent in gnomAD. At this time, the clinical significance of this variant is uncertain due to the absence of conclusive functional and genetic evidence.

Labcorp Genetics (formerly Invitae), Labcorp
Classification: Uncertain significance for Familial episodic pain syndrome with predominantly lower limb involvement; Hereditary sensory and autonomic neuropathy type 7. Last evaluated: 2022-09-05. Review status: criteria provided, single submitter. Criteria: Invitae Variant Classification Sherloc (09022015). Collection method: clinical testing. Allele origin: germline.
Comment: This sequence change replaces glutamic acid, which is acidic and polar, with glycine, which is neutral and non-polar, at codon 404 of the SCN11A protein (p.Glu404Gly). This variant is present in population databases (rs749151291, gnomAD 0.0009%). This variant has not been reported in the literature in individuals affected with SCN11A-related conditions. Algorithms developed to predict the effect of missense changes on protein structure and function (SIFT, PolyPhen-2, Align-GVGD) all suggest that this variant is likely to be disruptive. In summary, the available evidence is currently insufficient to determine the role of this variant in disease. Therefore, it has been classified as a Variant of Uncertain Significance.

NM_001349253.2(SCN11A):c.1211A>G (p.Glu404Gly)

Gene: SCN11A (sodium voltage-gated channel alpha subunit 11; minus strand). Cytogenetic location: 3p22.2.
Variant type: single nucleotide variant.
Coding change: c.1211A>G on transcript NM_001349253.2 (MANE Select); coding-DNA position 1211, A replaced by G.
Protein change: p.Glu404Gly; replaces glutamic acid 404 with glycine.
Molecular consequence: missense variant.
Genome position (GRCh38, 1-based): chr3:38,909,085, T>C on the plus strand (A>G on the coding strand, the complement: SCN11A is on the minus strand). VCF-style: chr3-38909085-T-C. GRCh37 (hg19) VCF-style: chr3-38950576-T-C.
Other names: c.1211A>G, p.Glu404Gly (NM_014139.3); c.1211A>G (NM_014139.2); short protein forms E404G.
Identifiers: ClinVar variation 2156639 (VCV002156639.11), dbSNP rs749151291, ClinGen allele CA2322377.
Genomic context (GRCh38, chr3:38,909,085, plus strand): 5'-GCTTCCTGAAACATCTTTTCCTTGGCCTCTATCTCTGCAGCTACATTCTTGTTCTGCTCC[T>C]CATATGCCATGGTAACAACAGCCAGGGTTAAGTTAATCAGGTAGAAGGAGCCCAGGAAAA-3'
Protein context (NP_001336182.1, residues 394-414): LTLAVVTMAY[Glu404Gly]EQNKNVAAEI